The following is an entry in ClinVar:

ClinVar aggregate classification (germline): Conflicting classifications of pathogenicity. Review status: criteria provided, conflicting classifications (1 of 4 stars). 7 submissions from 7 submitters: Uncertain significance (5); Likely benign (2). Last evaluated 2026-05-01.

Conditions:
SAMD9L-related disorder. Also called: SAMD9L-related condition; SAMD9L-related disorders.
Inborn genetic diseases. Identifiers: MedGen C0950123, MeSH D030342.

Allele frequency attached by ClinVar (database versions not stated): ExAC 0.00003; gnomAD exomes 0.00005; TOPMed 0.00006; gnomAD 0.00008 and 0.00009; 1000 Genomes Project 30x 0.00016; 1000 Genomes Project 0.00020.
gnomAD v4.1: 76 of 1,613,866 alleles (0.0047%); highest among the groups gnomAD compares: Admixed American, 0.023%; 1 homozygote.

Submissions (7):

CeGaT Center for Human Genetics Tuebingen
Classification: Likely benign. Last evaluated: 2026-05-01. Review status: criteria provided, single submitter. Criteria: CeGaT Center For Human Genetics Tuebingen Variant Classification Criteria Version 2. Collection method: clinical testing. Allele origin: germline. Affected: yes. Observed: 1 variant allele.
Comment: SAMD9L: BP4

PreventionGenetics, part of Exact Sciences
Classification: Uncertain significance for SAMD9L-related condition. Last evaluated: 2026-03-07. Review status: criteria provided, single submitter. Criteria: ACMG Guidelines, 2015. Collection method: clinical testing. Allele origin: germline.
Comment: The SAMD9L c.4393C>T variant is predicted to result in the amino acid substitution p.Arg1465Cys. To our knowledge, this variant has not been reported in the literature. This variant is reported in 0.014% of alleles in individuals of Latino descent in gnomAD. At this time, the clinical significance of this variant is uncertain due to the absence of conclusive functional and genetic evidence.

Labcorp Genetics (formerly Invitae), Labcorp
Classification: Uncertain significance. Last evaluated: 2025-12-13. Review status: criteria provided, single submitter. Criteria: Invitae Variant Classification Sherloc (09022015). Collection method: clinical testing. Allele origin: germline.
Comment: This sequence change replaces arginine, which is basic and polar, with cysteine, which is neutral and slightly polar, at codon 1465 of the SAMD9L protein (p.Arg1465Cys). This variant is present in population databases (rs181466556, gnomAD 0.01%). This variant has not been reported in the literature in individuals affected with SAMD9L-related conditions. ClinVar contains an entry for this variant (Variation ID: 1393033). Invitae Evidence Modeling of protein sequence and biophysical properties (such as structural, functional, and spatial information, amino acid conservation, physicochemical variation, residue mobility, and thermodynamic stability) indicates that this missense variant is not expected to disrupt SAMD9L protein function with a negative predictive value of 80%. In summary, the available evidence is currently insufficient to determine the role of this variant in disease. Therefore, it has been classified as a Variant of Uncertain Significance.

Ambry Genetics
Classification: Likely benign for Inborn genetic diseases. Last evaluated: 2025-10-15. Review status: criteria provided, single submitter. Criteria: Ambry Variant Classification Scheme 2023. Collection method: clinical testing. Allele origin: germline.

ARUP Laboratories, Molecular Genetics and Genomics, ARUP Laboratories
Classification: Uncertain significance. Last evaluated: 2024-07-08. Review status: criteria provided, single submitter. Criteria: ARUP Molecular Germline Variant Investigation Process 2024. Collection method: clinical testing. Allele origin: germline.

GeneDx
Classification: Uncertain significance. Last evaluated: 2024-03-18. Review status: criteria provided, single submitter. Criteria: GeneDx Variant Classification Process June 2021. Collection method: clinical testing. Allele origin: germline.
Comment: In silico analysis supports that this missense variant has a deleterious effect on protein structure/function; Has not been previously published as pathogenic or benign to our knowledge

Breakthrough Genomics
Classification: Uncertain significance. Review status: criteria provided, single submitter. Criteria: ACMG Guidelines, 2015. Collection method: not provided. Allele origin: germline. Inheritance: Autosomal recessive inheritance. Affected: yes.

NM_152703.5(SAMD9L):c.4393C>T (p.Arg1465Cys)

Gene: SAMD9L (sterile alpha motif domain containing 9 like; minus strand). Cytogenetic location: 7q21.2.
Variant type: single nucleotide variant.
Coding change: c.4393C>T on transcript NM_152703.5 (MANE Select); coding-DNA position 4393, C replaced by T.
Protein change: p.Arg1465Cys; replaces arginine 1465 with cysteine.
Molecular consequence: missense variant.
Genome position (GRCh38, 1-based): chr7:93,131,579, G>A on the plus strand (C>T on the coding strand, the complement: SAMD9L is on the minus strand). VCF-style: chr7-93131579-G-A. GRCh37 (hg19) VCF-style: chr7-92760892-G-A.
Other names: c.4393C>T (NM_152703.2); c.4393C>T, p.Arg1465Cys (NM_001303496.3, NM_001303497.3, NM_001303498.3 and 5 more transcripts); short protein forms R1465C.
Identifiers: ClinVar variation 1393033 (VCV001393033.17), dbSNP rs181466556, ClinGen allele CA4343310.